The following is an entry in ClinVar:

NM_006947.4(SRP72):c.20G>T (p.Gly7Val)

Genes: SRP72 (signal recognition particle 72; plus strand), LOC129992625 (ATAC-STARR-seq lymphoblastoid active region 21580; plus strand). Cytogenetic location: 4q12.
Variant type: single nucleotide variant.
Coding change: c.20G>T on transcript NM_006947.4 (MANE Select); coding-DNA position 20, G replaced by T.
Protein change: p.Gly7Val; replaces glycine 7 with valine.
Molecular consequence: missense variant. On other transcripts: non-coding transcript variant (1).
Genome position (GRCh38, 1-based): chr4:56,467,655, G>T. VCF-style: chr4-56467655-G-T. GRCh37 (hg19) VCF-style: chr4-57333821-G-T.
Other names: c.20G>T, p.Gly7Val (NM_001267722.2); c.20G>T (NM_006947.3); short protein forms G7V.
Identifiers: ClinVar variation 2068186 (VCV002068186.7), dbSNP rs139502866, ClinGen allele CA2930924.

ClinVar aggregate classification (germline): Uncertain significance. Review status: criteria provided, multiple submitters, no conflicts (2 of 4 stars). 4 submissions from 4 submitters: Uncertain significance (4). Last evaluated 2025-04-10.

Conditions:
SRP72-related disorder. Also called: SRP72-related condition.

gnomAD v4.1: 44 of 1,561,390 alleles (0.0028%); highest among the groups gnomAD compares: Middle Eastern, 0.017%; no homozygotes.

Submissions (4):

Labcorp Genetics (formerly Invitae), Labcorp
Classification: Uncertain significance. Last evaluated: 2025-04-10. Review status: criteria provided, single submitter. Criteria: Invitae Variant Classification Sherloc (09022015). Collection method: clinical testing. Allele origin: germline.
Comment: This sequence change replaces glycine, which is neutral and non-polar, with valine, which is neutral and non-polar, at codon 7 of the SRP72 protein (p.Gly7Val). This variant is present in population databases (rs139502866, gnomAD 0.004%). This variant has not been reported in the literature in individuals affected with SRP72-related conditions. ClinVar contains an entry for this variant (Variation ID: 2068186). An algorithm developed to predict the effect of missense changes on protein structure and function (PolyPhen-2) suggests that this variant is likely to be disruptive. In summary, the available evidence is currently insufficient to determine the role of this variant in disease. Therefore, it has been classified as a Variant of Uncertain Significance.

Ambry Genetics
Classification: Uncertain significance. Last evaluated: 2024-11-25. Review status: criteria provided, single submitter. Criteria: Ambry Variant Classification Scheme 2023. Collection method: clinical testing. Allele origin: germline.

GeneDx
Classification: Uncertain significance. Last evaluated: 2024-03-06. Review status: criteria provided, single submitter. Criteria: GeneDx Variant Classification Process June 2021. Collection method: clinical testing. Allele origin: germline. Affected: yes.
Comment: Not observed at significant frequency in large population cohorts (gnomAD); In silico analysis supports that this missense variant does not alter protein structure/function; Has not been previously published as pathogenic or benign to our knowledge

PreventionGenetics, part of Exact Sciences
Classification: Uncertain significance for SRP72-related condition. Last evaluated: 2022-09-20. Review status: criteria provided, single submitter. Criteria: ACMG Guidelines, 2015. Collection method: clinical testing. Allele origin: germline.
Comment: The SRP72 c.20G>T variant is predicted to result in the amino acid substitution p.Gly7Val. To our knowledge, this variant has not been reported in the literature. This variant is reported in 0.0037% of alleles in individuals of European (Non-Finnish) descent in gnomAD. At this time, the clinical significance of this variant is uncertain due to the absence of conclusive functional and genetic evidence.